The following is an entry in ClinVar:

NM_000392.5(ABCC2):c.4040T>C (p.Leu1347Pro)

Gene: ABCC2 (ATP binding cassette subfamily C member 2; plus strand). Cytogenetic location: 10q24.2.
Variant type: single nucleotide variant.
Coding change: c.4040T>C on transcript NM_000392.5 (MANE Select); coding-DNA position 4040, T replaced by C.
Protein change: p.Leu1347Pro; replaces leucine 1347 with proline.
Molecular consequence: missense variant.
Genome position (GRCh38, 1-based): chr10:99,845,676, T>C. VCF-style: chr10-99845676-T-C. GRCh37 (hg19) VCF-style: chr10-101605433-T-C.
Other names: short protein forms L1347P.
Identifiers: ClinVar variation 2632000 (VCV002632000.1), dbSNP rs373121133, ClinGen allele CA5644021.

ClinVar aggregate classification (germline): Uncertain significance (1 of 4 stars; one submission).

Conditions:
ABCC2-related disorder. Also called: ABCC2-related condition.

Allele frequency attached by ClinVar (database versions not stated): gnomAD exomes 0.00003; TOPMed 0.00005; ExAC 0.00006; gnomAD 0.00006; ESP Exome Variant Server 0.00008.
gnomAD v4.1: 51 of 1,613,944 alleles (0.0032%); highest among the groups gnomAD compares: Non-Finnish European, 0.00068%; no homozygotes.

Submission:

PreventionGenetics, part of Exact Sciences
Classification: Uncertain significance for ABCC2-related condition. Last evaluated: 2023-07-20. Review status: criteria provided, single submitter. Criteria: ACMG Guidelines, 2015. Collection method: clinical testing. Allele origin: germline.
Comment: The ABCC2 c.4040T>C variant is predicted to result in the amino acid substitution p.Leu1347Pro. To our knowledge, this variant has not been reported in the literature. This variant is reported in 0.096% of alleles in individuals of Ashkenazi Jewish descent in gnomAD. At this time, the clinical significance of this variant is uncertain due to the absence of conclusive functional and genetic evidence.